The following is an entry in ClinVar:

ClinVar aggregate classification (germline): Conflicting classifications of pathogenicity. Review status: criteria provided, conflicting classifications (1 of 4 stars). 2 submissions from 2 submitters: Uncertain significance (1); Likely benign (1). Last evaluated 2026-08-01.

Allele frequency attached by ClinVar (database versions not stated): ESP Exome Variant Server 0.00008; TOPMed 0.00013; gnomAD exomes 0.00015; ExAC 0.00018.
gnomAD v4.1: 260 of 1,608,798 alleles (0.016%); highest among the groups gnomAD compares: South Asian, 0.03%; 1 homozygote.

Submissions (2):

CeGaT Center for Human Genetics Tuebingen
Classification: Likely benign. Last evaluated: 2026-08-01. Review status: criteria provided, single submitter. Criteria: CeGaT Center For Human Genetics Tuebingen Variant Classification Criteria Version 2. Collection method: clinical testing. Allele origin: germline. Affected: yes. Observed: 1 variant allele.
Comment: LETM1: BP4

Labcorp Genetics (formerly Invitae), Labcorp
Classification: Uncertain significance. Last evaluated: 2024-11-11. Review status: criteria provided, single submitter. Criteria: Invitae Variant Classification Sherloc (09022015). Collection method: clinical testing. Allele origin: germline.
Comment: This sequence change falls in intron 7 of the LETM1 gene. It does not directly change the encoded amino acid sequence of the LETM1 protein. It affects a nucleotide within the consensus splice site. This variant is present in population databases (rs373020080, gnomAD 0.03%). This variant has not been reported in the literature in individuals affected with LETM1-related conditions. ClinVar contains an entry for this variant (Variation ID: 1365312). Variants that disrupt the consensus splice site are a relatively common cause of aberrant splicing (PMID: 17576681, 9536098). Algorithms developed to predict the effect of sequence changes on RNA splicing suggest that this variant is not likely to affect RNA splicing. In summary, the available evidence is currently insufficient to determine the role of this variant in disease. Therefore, it has been classified as a Variant of Uncertain Significance.

Literature cited by the submitters: PubMed 17576681 (cited by Labcorp Genetics (formerly Invitae), Labcorp); PubMed 9536098 (cited by Labcorp Genetics (formerly Invitae), Labcorp).

NM_012318.3(LETM1):c.1200+4C>T

Gene: LETM1 (leucine zipper and EF-hand containing transmembrane protein 1; minus strand). Cytogenetic location: 4p16.3.
Variant type: single nucleotide variant.
Coding change: c.1200+4C>T on transcript NM_012318.3 (MANE Select); 4 bases into the intron after coding-DNA position 1200, C replaced by T.
Molecular consequence: intron variant.
Genome position (GRCh38, 1-based): chr4:1,825,560, G>A on the plus strand (C>T on the coding strand, the complement: LETM1 is on the minus strand). VCF-style: chr4-1825560-G-A. GRCh37 (hg19) VCF-style: chr4-1827287-G-A.
Identifiers: ClinVar variation 1365312 (VCV001365312.6), dbSNP rs373020080, ClinGen allele CA2811380.